The following is an entry in ClinVar:

NM_001372043.1(PCSK5):c.348T>C (p.Tyr116=)

Gene: PCSK5 (proprotein convertase subtilisin/kexin type 5; plus strand). Cytogenetic location: 9q21.13.
Variant type: single nucleotide variant.
Coding change: c.348T>C on transcript NM_001372043.1 (MANE Select); coding-DNA position 348, T replaced by C.
Protein change: p.Tyr116=; no amino-acid change (tyrosine 116 retained).
Molecular consequence: synonymous variant. On other transcripts: non-coding transcript variant (1).
Genome position (GRCh38, 1-based): chr9:75,986,182, T>C. VCF-style: chr9-75986182-T-C. GRCh37 (hg19) VCF-style: chr9-78601098-T-C.
Other names: c.348T>C, p.Tyr116= (NM_001190482.2, NM_006200.6).
Identifiers: ClinVar variation 787625 (VCV000787625.27), dbSNP rs149830197, ClinGen allele CA5086415.
Genomic context (GRCh38, chr9:75,986,182, plus strand): 5'-TTCTTGACAGGTGGAATGGATCCAACAGCAAGTGGTAAAAAAGCGGACAAAGAGGGATTA[T>C]GACTTCAGTCGTGCCCAGTCTACCTATTTCAATGATCCCAAGTGGCCCAGCATGTGGTAT-3'
Protein context (NP_001358972.1, residues 106-126): QVVKKRTKRD[Tyr116=]DFSRAQSTYF

ClinVar aggregate classification (germline): Likely benign. Review status: criteria provided, multiple submitters, no conflicts (2 of 4 stars). 2 submissions from 2 submitters: Likely benign (2). Last evaluated 2023-05-01.

Allele frequency attached by ClinVar (database versions not stated): 1000 Genomes Project 30x 0.00016; 1000 Genomes Project 0.00020; gnomAD exomes 0.00055 and 0.00084; ExAC 0.00059; TOPMed 0.00063; gnomAD 0.00065 and 0.00069; ESP Exome Variant Server 0.00100.
gnomAD v4.1: 1,332 of 1,613,982 alleles (0.083%); highest among the groups gnomAD compares: Non-Finnish European, 0.1%; 1 homozygote.

Submissions (2):

CeGaT Center for Human Genetics Tuebingen
Classification: Likely benign. Last evaluated: 2023-05-01. Review status: criteria provided, single submitter. Criteria: CeGaT Center For Human Genetics Tuebingen Variant Classification Criteria Version 2. Collection method: clinical testing. Allele origin: germline. Affected: yes. Observed: 1 variant allele.
Comment: PCSK5: BP4, BS1

Labcorp Genetics (formerly Invitae), Labcorp
Classification: Likely benign. Last evaluated: 2018-04-06. Review status: criteria provided, single submitter. Criteria: Invitae Variant Classification Sherloc (09022015). Collection method: clinical testing. Allele origin: germline.